The following is an entry in ClinVar:

NM_212482.4(FN1):c.1778G>C (p.Gly593Ala)

Gene: FN1 (fibronectin 1; minus strand). Cytogenetic location: 2q35.
Variant type: single nucleotide variant.
Coding change: c.1778G>C on transcript NM_212482.4 (MANE Select); coding-DNA position 1778, G replaced by C.
Protein change: p.Gly593Ala; replaces glycine 593 with alanine.
Molecular consequence: missense variant.
Genome position (GRCh38, 1-based): chr2:215,419,283, C>G on the plus strand (G>C on the coding strand, the complement: FN1 is on the minus strand). VCF-style: chr2-215419283-C-G. GRCh37 (hg19) VCF-style: chr2-216284006-C-G.
Other names: c.1778G>C, p.Gly593Ala (NM_001306129.2, NM_001306130.2, NM_001306131.2 and 14 more transcripts); short protein forms G593A.
Identifiers: ClinVar variation 5041696 (VCV005041696.1).
Genomic context (GRCh38, chr2:215,419,283, plus strand): 5'-CAGTAATAGAGCTACTTACTTGGATAGGTCTGTAAAGGTTGGCAATGCCACTCCCCAATG[C>G]CACGGCCATAGCAGTAGCACTGGTATCTGACACCATGCACATACTTCTCCCATGAATCTC-3'
Protein context (NP_997647.2, residues 583-603): VRYQCYCYGR[Gly593Ala]IGEWHCQPLQ

ClinVar aggregate classification (germline): Uncertain significance (1 of 4 stars; one submission).

Submission:

CeGaT Center for Human Genetics Tuebingen
Classification: Uncertain significance. Last evaluated: 2026-09-01. Review status: criteria provided, single submitter. Criteria: CeGaT Center For Human Genetics Tuebingen Variant Classification Criteria Version 2. Collection method: clinical testing. Allele origin: germline. Affected: yes. Observed: 1 variant allele.
Comment: FN1: PM2, PP2